The following is an entry in ClinVar:

NM_002184.4(IL6ST):c.1094A>G (p.Asp365Gly)

Gene: IL6ST (interleukin 6 cytokine family signal transducer; minus strand). Cytogenetic location: 5q11.2.
Variant type: single nucleotide variant.
Coding change: c.1094A>G on transcript NM_002184.4 (MANE Select); coding-DNA position 1094, A replaced by G.
Protein change: p.Asp365Gly; replaces aspartic acid 365 with glycine.
Molecular consequence: missense variant. On other transcripts: 3 prime UTR variant (1), non-coding transcript variant (2).
Genome position (GRCh38, 1-based): chr5:55,956,198, T>C on the plus strand (A>G on the coding strand, the complement: IL6ST is on the minus strand). VCF-style: chr5-55956198-T-C. GRCh37 (hg19) VCF-style: chr5-55252026-T-C.
Other names: c.1094A>G (NM_002184.3); c.1094A>G, p.Asp365Gly (NM_001190981.2, NM_001364275.2); c.884A>G, p.Asp295Gly (NM_001364276.2); c.227A>G, p.Asp76Gly (NM_001364277.2); c.191A>G, p.Asp64Gly (NM_001364278.2); c.98A>G, p.Asp33Gly (NM_001364279.2); c.*21A>G (NM_175767.3); short protein forms D295G, D365G, D64G, D76G, D33G.
Identifiers: ClinVar variation 1363029 (VCV001363029.10), dbSNP rs768985381, ClinGen allele CA3271496.

ClinVar aggregate classification (germline): Uncertain significance. Review status: criteria provided, multiple submitters, no conflicts (2 of 4 stars). 2 submissions from 2 submitters: Uncertain significance (2). Last evaluated 2024-10-14.

Allele frequency attached by ClinVar (database versions not stated): TOPMed below 0.00001.
gnomAD v4.1: 68 of 1,610,840 alleles (0.0042%); highest among the groups gnomAD compares: South Asian, 0.041%; no homozygotes.

Submissions (2):

Labcorp Genetics (formerly Invitae), Labcorp
Classification: Uncertain significance. Last evaluated: 2024-10-14. Review status: criteria provided, single submitter. Criteria: Invitae Variant Classification Sherloc (09022015). Collection method: clinical testing. Allele origin: germline.
Comment: This sequence change replaces aspartic acid, which is acidic and polar, with glycine, which is neutral and non-polar, at codon 365 of the IL6ST protein (p.Asp365Gly). This variant is present in population databases (rs768985381, gnomAD 0.06%). This variant has not been reported in the literature in individuals affected with IL6ST-related conditions. ClinVar contains an entry for this variant (Variation ID: 1363029). An algorithm developed to predict the effect of missense changes on protein structure and function (PolyPhen-2) suggests that this variant is likely to be tolerated. In summary, the available evidence is currently insufficient to determine the role of this variant in disease. Therefore, it has been classified as a Variant of Uncertain Significance.

Revvity Omics, Revvity
Classification: Uncertain significance. Last evaluated: 2020-12-09. Review status: criteria provided, single submitter. Criteria: ACMG Guidelines, 2015. Collection method: clinical testing. Allele origin: germline.